The following is an entry in ClinVar:

NM_001382567.1(STIM1):c.1390A>G (p.Thr464Ala)

Gene: STIM1 (stromal interaction molecule 1; plus strand). Cytogenetic location: 11p15.4.
Variant type: single nucleotide variant.
Coding change: c.1390A>G on transcript NM_001382567.1 (MANE Select); coding-DNA position 1390, A replaced by G.
Protein change: p.Thr464Ala; replaces threonine 464 with alanine.
Molecular consequence: missense variant. On other transcripts: non-coding transcript variant (2).
Genome position (GRCh38, 1-based): chr11:4,083,414, A>G. VCF-style: chr11-4083414-A-G. GRCh37 (hg19) VCF-style: chr11-4104644-A-G.
Other names: c.1390A>G, p.Thr464Ala (NM_001277961.3, NM_001277962.2, NM_003156.4); c.1168A>G, p.Thr390Ala (NM_001382566.1, NM_001382573.1, NM_001382575.1 and 4 more transcripts); c.1411A>G, p.Thr471Ala (NM_001382568.1); c.1255A>G, p.Thr419Ala (NM_001382569.1); c.1162A>G, p.Thr388Ala (NM_001382570.1); c.910A>G, p.Thr304Ala (NM_001382571.1); c.901A>G, p.Thr301Ala (NM_001382580.1, NM_001382581.1); short protein forms T304A, T419A, T301A, T464A, T388A, T390A, T471A.
Identifiers: ClinVar variation 4792140 (VCV004792140.1).

ClinVar aggregate classification (germline): Uncertain significance (1 of 4 stars; one submission).

Conditions:
Combined immunodeficiency due to STIM1 deficiency. Also called: STIM1 DEFICIENCY; IMMUNODEFICIENCY 10. Identifiers: Orphanet 169090, Orphanet 317430, MedGen C2748557, MONDO:0013008, OMIM 612783.
Myopathy with tubular aggregates (TAM). Also called: Tubular Aggregate Myopathy. Identifiers: Orphanet 2593, MedGen C0410207, MONDO:0008051.
Stormorken syndrome (STRMK). Also called: THROMBOCYTOPATHY, ASPLENIA, AND MIOSIS. Identifiers: Orphanet 3204, MedGen C1861451, MONDO:0008497, OMIM 185070.

gnomAD v4.1: 10 of 1,614,164 alleles (0.00062%); highest among the groups gnomAD compares: Non-Finnish European, 0.00085%; no homozygotes.

Submission:

Labcorp Genetics (formerly Invitae), Labcorp
Classification: Uncertain significance for Myopathy with tubular aggregates; Combined immunodeficiency due to STIM1 deficiency; Stormorken syndrome. Last evaluated: 2025-10-15. Review status: criteria provided, single submitter. Criteria: Invitae Variant Classification Sherloc (09022015). Collection method: clinical testing. Allele origin: germline.
Comment: This sequence change replaces threonine, which is neutral and polar, with alanine, which is neutral and non-polar, at codon 464 of the STIM1 protein (p.Thr464Ala). This variant is present in population databases (rs201717730, gnomAD 0.002%). This variant has not been reported in the literature in individuals affected with STIM1-related conditions. Invitae Evidence Modeling of protein sequence and biophysical properties (such as structural, functional, and spatial information, amino acid conservation, physicochemical variation, residue mobility, and thermodynamic stability) indicates that this missense variant is not expected to disrupt STIM1 protein function with a negative predictive value of 95%. In summary, the available evidence is currently insufficient to determine the role of this variant in disease. Therefore, it has been classified as a Variant of Uncertain Significance.